The following is an entry in ClinVar:

ClinVar aggregate classification (germline): Likely benign. Review status: criteria provided, multiple submitters, no conflicts (2 of 4 stars). 4 submissions from 4 submitters: Likely benign (3). 1 of the submissions does not count toward it. Last evaluated 2026-01-22.

Conditions:
NFATC1-related disorder. Also called: NFATC1-related condition.

Allele frequency attached by ClinVar (database versions not stated): 1000 Genomes Project 0.00240; 1000 Genomes Project 30x 0.00265; gnomAD exomes 0.00355 and 0.00507; ExAC 0.00365; gnomAD 0.00401 and 0.00411; ESP Exome Variant Server 0.00423; TOPMed 0.00427.
gnomAD v4.1: 7,636 of 1,511,976 alleles (0.51%); highest among the groups gnomAD compares: Middle Eastern, 2.3%; 36 homozygotes.

Submissions (4):

Labcorp Genetics (formerly Invitae), Labcorp
Classification: Likely benign. Last evaluated: 2026-01-22. Review status: criteria provided, single submitter. Criteria: Invitae Variant Classification Sherloc (09022015). Collection method: clinical testing. Allele origin: germline.

CeGaT Center for Human Genetics Tuebingen
Classification: Likely benign. Last evaluated: 2025-11-01. Review status: criteria provided, single submitter. Criteria: CeGaT Center For Human Genetics Tuebingen Variant Classification Criteria Version 2. Collection method: clinical testing. Allele origin: germline. Affected: yes. Observed: 2 variant alleles.
Comment: NFATC1: BP4, BS2

Breakthrough Genomics
Classification: Likely benign. Review status: criteria provided, single submitter. Criteria: ACMG Guidelines, 2015. Collection method: not provided. Allele origin: germline. Inheritance: Unknown mechanism. Affected: yes.

PreventionGenetics, part of Exact Sciences
Classification: Benign for NFATC1-related condition. Last evaluated: 2019-03-20. Review status: no assertion criteria provided. Collection method: clinical testing. Allele origin: germline. Not counted in ClinVar's aggregate classification.
Comment: This variant is classified as benign based on ACMG/AMP sequence variant interpretation guidelines (Richards et al. 2015 PMID: 25741868, with internal and published modifications).

NM_001278669.2(NFATC1):c.1205T>C (p.Leu402Pro)

Gene: NFATC1 (nuclear factor of activated T cells 1; plus strand). Cytogenetic location: 18q23.
Variant type: single nucleotide variant.
Coding change: c.1205T>C on transcript NM_001278669.2 (MANE Select); coding-DNA position 1205, T replaced by C.
Protein change: p.Leu402Pro; replaces leucine 402 with proline.
Molecular consequence: missense variant. On other transcripts: intron variant (2).
Genome position (GRCh38, 1-based): chr18:79,411,480, T>C. VCF-style: chr18-79411480-T-C. GRCh37 (hg19) VCF-style: chr18-77171480-T-C.
Other names: c.1205T>C (NM_001278669.1); c.1205T>C, p.Leu402Pro (NM_001278670.2, NM_006162.5, NM_172390.3); c.1166T>C, p.Leu389Pro (NM_001278672.2, NM_001278675.2, NM_172387.3 and 1 more transcripts); c.-191+15129T>C (NM_172388.3); c.-191+11001T>C (NM_001278673.2); short protein forms L389P, L402P.
Identifiers: ClinVar variation 791508 (VCV000791508.34), dbSNP rs200663312, ClinGen allele CA9009072.